The following is an entry in ClinVar:

ClinVar aggregate classification (germline): Conflicting classifications of pathogenicity. Review status: criteria provided, conflicting classifications (1 of 4 stars). 10 submissions from 10 submitters: Uncertain significance (3); Benign (2); Likely benign (2). 3 of the submissions do not count toward it. Last evaluated 2026-07-01.

Conditions:
LAMA1-related disorder. Also called: LAMA1-related disorders; LAMA1-related condition.
Intellectual disability. Also called: Intellectual functioning disability; intellectual disabilities; Intellectual developmental disorder. Identifiers: MedGen C3714756, MeSH D008607, MONDO:0001071, HP:0001249.
Ataxia - intellectual disability - oculomotor apraxia - cerebellar cysts syndrome. Also called: Poretti-Boltshauser syndrome. Identifiers: Orphanet 370022, MedGen C4014821, MONDO:0014419, OMIM 615960.

Allele frequency attached by ClinVar (database versions not stated): gnomAD 0.00088 and 0.00089; TOPMed 0.00089; gnomAD exomes 0.00128; ExAC 0.00150; ESP Exome Variant Server 0.00185.
gnomAD v4.1: 1,945 of 1,609,534 alleles (0.12%); highest among the groups gnomAD compares: Middle Eastern, 0.23%; 6 homozygotes.

Submissions (12):

CeGaT Center for Human Genetics Tuebingen
Classification: Likely benign. Last evaluated: 2026-07-01. Review status: criteria provided, single submitter. Criteria: CeGaT Center For Human Genetics Tuebingen Variant Classification Criteria Version 2. Collection method: clinical testing. Allele origin: germline. Affected: yes. Observed: 1 variant allele.
Comment: LAMA1: PP3, BS2

Labcorp Genetics (formerly Invitae), Labcorp
Classification: Likely benign. Last evaluated: 2026-01-19. Review status: criteria provided, single submitter. Criteria: Invitae Variant Classification Sherloc (09022015). Collection method: clinical testing. Allele origin: germline.

Mayo Clinic Laboratories, Mayo Clinic
Classification: Uncertain significance. Last evaluated: 2025-09-30. Review status: criteria provided, single submitter. Criteria: ACMG Guidelines, 2015. Collection method: clinical testing. Allele origin: germline. Observed: 3 variant alleles.
Comment: BS1, PP3, PS1_supporting

GeneDx
Classification: Uncertain significance. Last evaluated: 2025-04-29. Review status: criteria provided, single submitter. Criteria: GeneDx Variant Classification Process June 2021. Collection method: clinical testing. Allele origin: germline. Affected: yes.
Comment: Reported in a patient with acute disseminated encephalomyelitis, optic neuritis, and periodic fever syndrome who also had variants identified in multiple other genes (PMID: 31836009); Intronic variant directly or indirectly altering the +5 splice site in a gene for which loss of function is a known mechanism of disease, and splice predictors support a deleterious effect; This variant is associated with the following publications: (PMID: 25167861, 31836009)

Blueprint Genetics
Classification: Benign. Last evaluated: 2024-10-30. Review status: criteria provided, single submitter. Criteria: ACMG Guidelines, 2015. Collection method: clinical testing. Allele origin: germline.

Pittsburgh Clinical Genomics Laboratory, University of Pittsburgh Medical Center
Classification: Uncertain significance for Ataxia - intellectual disability - oculomotor apraxia - cerebellar cysts syndrome. Last evaluated: 2023-10-02. Review status: criteria provided, single submitter. Criteria: ACMG Guidelines, 2015. Collection method: clinical testing. Allele origin: germline. Inheritance: Autosomal recessive inheritance. Affected: yes.
Comment: This sequence variant is a single nucleotide substitution (G>A) at position 2808+5 of the coding sequence of the LAMA1 gene exon 20 donor splice region. This is a previously reported variant (ClinVar 717102) that has been observed in an individuals affected by intellectual disability (PMID: 25167861). This variant is present in 345 of 281368 alleles (0.1226%) in the gnomAD population dataset. Multiple bioinformatic tools predict that this to base change will disrupt the donor splice site, and the G base at this position is highly conserved across the vertebrate species examined. Studies examining the functiol consequence of this variant have not been published, to our knowledge. At this time, there is insufficient evidence to determine if this variant is pathogenic or benign. Therefore, we consider this a variant of uncertain significance. ACMG Criteria: BS1, PP3

Cambridge Genomics Laboratory, East Genomic Laboratory Hub, NHS Genomic Medicine Service
Classification: Benign for Intellectual disability. Last evaluated: 2019-06-28. Review status: criteria provided, single submitter. Criteria: ACGS Best Practice Guidelines for Variant Classification in Rare Disease 2020. Collection method: clinical testing. Allele origin: germline. Affected: yes. Observed: 1 variant allele.

PreventionGenetics, part of Exact Sciences
Classification: Likely benign for LAMA1-related condition. Last evaluated: 2019-10-01. Review status: no assertion criteria provided. Collection method: clinical testing. Allele origin: germline. Not counted in ClinVar's aggregate classification.
Comment: This variant is classified as likely benign based on ACMG/AMP sequence variant interpretation guidelines (Richards et al. 2015 PMID: 25741868, with internal and published modifications).

Clinical Genetics DNA and cytogenetics Diagnostics Lab, Erasmus MC, Erasmus Medical Center
Classification: Uncertain significance. Review status: no assertion criteria provided. Collection method: clinical testing. Allele origin: germline. Affected: yes. Study: VKGL Data-share Consensus. Not counted in ClinVar's aggregate classification.

Dr. Peter K. Rogan Lab, Western University
No classification provided (evidence only). Condition: Sarcoma. Review status: no classification provided. Collection method: in vitro. Allele origin: not applicable. Functional consequence: retained intron. Not counted in ClinVar's aggregate classification.

Dr. Peter K. Rogan Lab, Western University
No classification provided (evidence only). Condition: Thymoma. Review status: no classification provided. Collection method: in vitro. Allele origin: not applicable. Functional consequence: retained intron. Not counted in ClinVar's aggregate classification.

Genome Diagnostics Laboratory, Amsterdam University Medical Center
Classification: Uncertain significance. Review status: no assertion criteria provided. Collection method: clinical testing. Allele origin: germline. Affected: yes. Study: VKGL Data-share Consensus. Not counted in ClinVar's aggregate classification.

Literature cited by the submitters: PubMed 31836009 (cited by Mayo Clinic Laboratories, Mayo Clinic); PubMed 25167861 (cited by Pittsburgh Clinical Genomics Laboratory, University of Pittsburgh Medical Center).

NM_005559.4(LAMA1):c.2808+5G>A

Gene: LAMA1 (laminin subunit alpha 1; minus strand). Cytogenetic location: 18p11.31.
Variant type: single nucleotide variant.
Coding change: c.2808+5G>A on transcript NM_005559.4 (MANE Select); 5 bases into the intron after coding-DNA position 2808, G replaced by A.
Molecular consequence: intron variant.
Genome position (GRCh38, 1-based): chr18:7,017,273, C>T on the plus strand (G>A on the coding strand, the complement: LAMA1 is on the minus strand). VCF-style: chr18-7017273-C-T. GRCh37 (hg19) VCF-style: chr18-7017272-C-T.
Identifiers: ClinVar variation 717102 (VCV000717102.25), dbSNP rs201030108, ClinGen allele CA8882521.